The following is an entry in ClinVar:

NC_000002.11:g.(?_30142849)_(30143525_?)del

Gene: ALK (ALK receptor tyrosine kinase; minus strand). Cytogenetic location: 2p23.1.
Variant type: Deletion.
Identifiers: ClinVar variation 1054325 (VCV001054325.3).

ClinVar aggregate classification (germline): Uncertain significance (1 of 4 stars; one submission).

Conditions:
Neuroblastoma, susceptibility to, 3. Also called: ALK-Related Neuroblastic Tumor Susceptibility. Identifiers: Orphanet 635, MedGen C2751681, MONDO:0013083, OMIM 613014.

Submission:

Labcorp Genetics (formerly Invitae), Labcorp
Classification: Uncertain significance for Neuroblastoma, susceptibility to, 3. Last evaluated: 2022-10-04. Review status: criteria provided, single submitter. Criteria: Invitae Variant Classification Sherloc (09022015). Collection method: clinical testing. Allele origin: germline.
Comment: In summary, the available evidence is currently insufficient to determine the role of this variant in disease. Therefore, it has been classified as a Variant of Uncertain Significance. This variant has not been reported in the literature in individuals affected with ALK-related conditions. This variant is a gross deletion of the genomic region encompassing exon(s) 1 of the ALK gene, which includes the initiator codon. This deletion extends beyond the assayed region for this gene and therefore may encompass additional genes. It is expected to result in an absent or disrupted protein product. However, the current clinical and genetic evidence is not sufficient to establish whether loss-of-function variants in ALK cause disease.